The following is an entry in ClinVar:

ClinVar aggregate classification (germline): Uncertain significance (1 of 4 stars; one submission).

Allele frequency attached by ClinVar (database versions not stated): ExAC 0.00001; TOPMed 0.00001; gnomAD 0.00002; ESP Exome Variant Server 0.00008.

Submission:

Labcorp Genetics (formerly Invitae), Labcorp
Classification: Uncertain significance. Last evaluated: 2022-07-26. Review status: criteria provided, single submitter. Criteria: Invitae Variant Classification Sherloc (09022015). Collection method: clinical testing. Allele origin: germline.
Comment: This sequence change replaces isoleucine, which is neutral and non-polar, with valine, which is neutral and non-polar, at codon 146 of the ISCU protein (p.Ile146Val). This variant is present in population databases (rs369278453, gnomAD 0.008%). This variant has not been reported in the literature in individuals affected with ISCU-related conditions. Algorithms developed to predict the effect of missense changes on protein structure and function are either unavailable or do not agree on the potential impact of this missense change (SIFT: "Deleterious"; PolyPhen-2: "Benign"; Align-GVGD: "Class C25"). In summary, the available evidence is currently insufficient to determine the role of this variant in disease. Therefore, it has been classified as a Variant of Uncertain Significance.

NM_213595.4(ISCU):c.436A>G (p.Ile146Val)

Gene: ISCU (iron-sulfur cluster assembly enzyme; plus strand). Cytogenetic location: 12q23.3.
Variant type: single nucleotide variant.
Coding change: c.436A>G on transcript NM_213595.4 (MANE Select); coding-DNA position 436, A replaced by G.
Protein change: p.Ile146Val; replaces isoleucine 146 with valine.
Molecular consequence: missense variant. On other transcripts: 3 prime UTR variant (3), non-coding transcript variant (1).
Genome position (GRCh38, 1-based): chr12:108,568,848, A>G. VCF-style: chr12-108568848-A-G. GRCh37 (hg19) VCF-style: chr12-108962624-A-G.
Other names: c.*57A>G (NM_001301140.1); c.*62A>G (NM_001301141.1); c.*1144A>G (NM_001320042.1); c.361A>G, p.Ile121Val (NM_014301.4); short protein forms I146V, I121V.
Identifiers: ClinVar variation 1938921 (VCV001938921.2), dbSNP rs369278453, ClinGen allele CA6768887.